The following is an entry in ClinVar:

NM_139058.3(ARX):c.1443dup (p.Gly482fs)

Gene: ARX (aristaless related homeobox; minus strand). Cytogenetic location: Xp21.3.
Variant type: Duplication.
Coding change: c.1443dup on transcript NM_139058.3 (MANE Select); coding-DNA position 1443, one base duplicated (C; older notation c.1443dupC).
Protein change: p.Gly482fs; shifts the reading frame from glycine 482.
Molecular consequence: frameshift variant.
Genome position (GRCh38, 1-based): chrX:25,007,116, G duplicated on the plus strand (C on the coding strand, the reverse complement: ARX is on the minus strand). VCF-style (leftmost placement, unchanged base first): chrX-25007115-C-CG. GRCh37 (hg19) VCF-style: chrX-25025232-C-CG.
Other names: short protein forms G482fs.
Identifiers: ClinVar variation 1074175 (VCV001074175.9), dbSNP rs2147320305, ClinGen allele CA2499226601.

ClinVar aggregate classification (germline): Pathogenic (1 of 4 stars; one submission).

Conditions:
Intellectual disability, X-linked, with or without seizures, ARX-related. Also called: INTELLECTUAL DEVELOPMENTAL DISORDER, X-LINKED 29; MENTAL RETARDATION, X-LINKED 29; MENTAL RETARDATION, X-LINKED 32; MENTAL RETARDATION, X-LINKED 33; MENTAL RETARDATION, X-LINKED 38; MENTAL RETARDATION, X-LINKED 43. Identifiers: Orphanet 777, MedGen C0796244, MONDO:0010317, OMIM 300419.
Developmental and epileptic encephalopathy, 1 (DEE1). Also called: X-linked infantile spasms; West's syndrome; Tonic spasms with clustering, arrest of psychomotor development and hypsarrhythmia on EEG; X-Linked Infantile Spasm Syndrome; OHTAHARA SYNDROME, X-LINKED; INFANTILE SPASM SYNDROME, X-LINKED 1. Identifiers: MedGen C3463992, MONDO:0010632, OMIM 308350. Disease mechanism: loss of function.

Submission:

Labcorp Genetics (formerly Invitae), Labcorp
Classification: Pathogenic for Developmental and epileptic encephalopathy, 1; Intellectual disability, X-linked, with or without seizures, ARX-related. Last evaluated: 2020-07-22. Review status: criteria provided, single submitter. Criteria: Invitae Variant Classification Sherloc (09022015). Collection method: clinical testing. Allele origin: germline.
Comment: For these reasons, this variant has been classified as Pathogenic. This variant disrupts the C-terminus of the ARX protein. Other variant(s) that disrupt this region (p.Arg527Alafs*5) have been determined to be pathogenic (PMID: 31623504). This suggests that variants that disrupt this region of the protein are likely to be causative of disease. This sequence change results in a premature translational stop signal in the ARX gene (p.Gly482Argfs*50). While this is not anticipated to result in nonsense mediated decay, it is expected to disrupt the last 81 amino acids of the ARX protein. This variant is not present in population databases (ExAC no frequency). This variant has not been reported in the literature in individuals with ARX-related conditions.

Literature cited by the submitters: PubMed 31623504.